The following is an entry in ClinVar:

NM_000064.4(C3):c.1618G>T (p.Ala540Ser)

Gene: C3 (complement C3; minus strand). Cytogenetic location: 19p13.3.
Variant type: single nucleotide variant.
Coding change: c.1618G>T on transcript NM_000064.4 (MANE Select); coding-DNA position 1618, G replaced by T.
Protein change: p.Ala540Ser; replaces alanine 540 with serine.
Molecular consequence: missense variant.
Genome position (GRCh38, 1-based): chr19:6,710,707, C>A on the plus strand (G>T on the coding strand, the complement: C3 is on the minus strand). VCF-style: chr19-6710707-C-A. GRCh37 (hg19) VCF-style: chr19-6710718-C-A.
Other names: short protein forms A540S.
Identifiers: ClinVar variation 959478 (VCV000959478.10), dbSNP rs201237210, ClinGen allele CA9129394.

ClinVar aggregate classification (germline): Uncertain significance. Review status: criteria provided, multiple submitters, no conflicts (2 of 4 stars). 3 submissions from 3 submitters: Uncertain significance (2). 1 of the submissions does not count toward it. Last evaluated 2025-11-08.

Conditions:
C3-related disorder. Also called: C3-related condition.
Atypical hemolytic-uremic syndrome. Identifiers: Orphanet 2134, MedGen C2931788, MONDO:0016244.

Allele frequency attached by ClinVar (database versions not stated): ESP Exome Variant Server 0.00008; 1000 Genomes Project 30x 0.00016; 1000 Genomes Project 0.00020; TOPMed 0.00002; gnomAD 0.00004; gnomAD exomes 0.00004 and 0.00005; ExAC 0.00006.
gnomAD v4.1: 65 of 1,613,750 alleles (0.004%); highest among the groups gnomAD compares: Admixed American, 0.005%; no homozygotes.

Submissions (3):

Labcorp Genetics (formerly Invitae), Labcorp
Classification: Uncertain significance. Last evaluated: 2025-11-08. Review status: criteria provided, single submitter. Criteria: Invitae Variant Classification Sherloc (09022015). Collection method: clinical testing. Allele origin: germline.
Comment: This sequence change replaces alanine, which is neutral and non-polar, with serine, which is neutral and polar, at codon 540 of the C3 protein (p.Ala540Ser). This variant is present in population databases (rs201237210, gnomAD 0.009%). This missense change has been observed in individual(s) with atypical hemolytic uremic syndrome (PMID: 29046944, 37369098). ClinVar contains an entry for this variant (Variation ID: 959478). An algorithm developed to predict the effect of missense changes on protein structure and function outputs the following: PolyPhen-2: "Benign". The serine amino acid residue is found in multiple mammalian species, which suggests that this missense change does not adversely affect protein function. In summary, the available evidence is currently insufficient to determine the role of this variant in disease. Therefore, it has been classified as a Variant of Uncertain Significance.

Genomenon, Inc
Classification: Uncertain significance for Atypical hemolytic-uremic syndrome. Last evaluated: 2025-09-30. Review status: criteria provided, single submitter. Criteria: Genomenon Sequence Variant Interpretation Standards. Collection method: curation. Allele origin: germline. Affected: yes.
Comment: C3 p.Ala540Ser (c.1618G>T) is a missense variant that changes the amino acid at residue 540 from Alanine to Serine. This variant has been observed in at least one proband affected with atypical hemolytic-uremic syndrome (PMID:29046944). It is absent or not present at a significant frequency in gnomAD. In silico models agree that this variant is not damaging. In conclusion, we classify C3 p.Ala540Ser (c.1618G>T) as a variant of unknown significance.

PreventionGenetics, part of Exact Sciences
Classification: Uncertain significance for C3-related condition. Last evaluated: 2024-07-13. Review status: no assertion criteria provided. Collection method: clinical testing. Allele origin: germline. Not counted in ClinVar's aggregate classification.
Comment: The C3 c.1618G>T variant is predicted to result in the amino acid substitution p.Ala540Ser. This variant has been reported in a study of individuals with atypical hemolytic uremic syndrome (eTable 3, Brocklebank et al. 2023. PubMed ID: 37369098). This variant is reported in 0.0093% of alleles in individuals of European (Finnish) descent in gnomAD and has been reported in healthy control populations (Table S1, Ardissino et al. 2021. PubMed ID: 34169201). At this time, the clinical significance of this variant is uncertain due to the absence of conclusive functional and genetic evidence.

Literature cited by the submitters: PubMed 29046944 (cited by Labcorp Genetics (formerly Invitae), Labcorp and Genomenon, Inc); PubMed 37369098 (cited by Labcorp Genetics (formerly Invitae), Labcorp).